The following is an entry in ClinVar:

NM_001371928.1(AHDC1):c.1832_1834delinsTTGGAGAAGCAACG (p.Glu611fs)

Gene: AHDC1 (AT-hook DNA binding motif containing 1; minus strand). Cytogenetic location: 1p36.11.
Variant type: Indel.
Coding change: c.1832_1834delinsTTGGAGAAGCAACG on transcript NM_001371928.1 (MANE Select); coding-DNA positions 1832 to 1834, AGT replaced by TTGGAGAAGCAACG.
Protein change: p.Glu611fs; shifts the reading frame from glutamic acid 611.
Molecular consequence: frameshift variant.
Genome position (GRCh38, 1-based): chr1:27,550,282-27,550,284, ACT replaced by CGTTGCTTCTCCAA on the plus strand (AGT replaced by TTGGAGAAGCAACG on the coding strand, the reverse complement: AHDC1 is on the minus strand). VCF-style: chr1-27550282-ACT-CGTTGCTTCTCCAA. GRCh37 (hg19) VCF-style: chr1-27876793-ACT-CGTTGCTTCTCCAA.
Other names: c.1832_1834delinsTTGGAGAAGCAACG, p.Glu611fs (NM_001029882.3); short protein forms E611fs.
Identifiers: ClinVar variation 3901019 (VCV003901019.1).

ClinVar aggregate classification (germline): Likely pathogenic (1 of 4 stars; one submission).

Conditions:
AHDC1-related intellectual disability - obstructive sleep apnea - mild dysmorphism syndrome. Also called: Xia-Gibbs syndrome. Identifiers: Orphanet 412069, MedGen C4014419, MONDO:0014358, OMIM 615829.

Submission:

Laboratorio de Genetica e Diagnostico Molecular, Hospital Israelita Albert Einstein
Classification: Likely pathogenic for AHDC1-related intellectual disability - obstructive sleep apnea - mild dysmorphism syndrome. Last evaluated: 2025-03-21. Review status: criteria provided, single submitter. Criteria: ACMG Guidelines, 2015. Collection method: clinical testing. Allele origin: germline. Affected: yes.
Comment: ACMG classification criteria: PVS1 strong, PS4 supporting, PM2 supporting